The following is an entry in ClinVar:

ClinVar aggregate classification (germline): Uncertain significance. Review status: criteria provided, multiple submitters, no conflicts (2 of 4 stars). 2 submissions from 2 submitters: Uncertain significance (2). Last evaluated 2022-04-07.

Conditions:
Hereditary cancer-predisposing syndrome. Also called: Neoplastic Syndromes, Hereditary; Hereditary Cancer Syndrome; Hereditary neoplastic syndrome; Tumor predisposition. Identifiers: Orphanet 140162, MedGen C0027672, MeSH D009386, MONDO:0015356.
Neurofibromatosis, type 2 (SWNV). Also called: SCHWANNOMATOSIS, VESTIBULAR; BILATERAL ACOUSTIC NEUROFIBROMATOSIS; NF2-Related Schwannomatosis. Identifiers: Orphanet 637, MedGen C0027832, MONDO:0007039, OMIM 101000. Disease mechanism: loss of function.

Allele frequency attached by ClinVar (database versions not stated): gnomAD exomes below 0.00001.
gnomAD v4.1: 1 of 1,555,736 alleles (0.000064%); highest among the groups gnomAD compares: Non-Finnish European, 0.000087%; no homozygotes.

Submissions (2):

Ambry Genetics
Classification: Uncertain significance for Hereditary cancer-predisposing syndrome. Last evaluated: 2022-04-07. Review status: criteria provided, single submitter. Criteria: Ambry Variant Classification Scheme 2023. Collection method: clinical testing. Allele origin: germline.
Comment: The p.A448V variant (also known as c.1343C>T), located in coding exon 13 of the NF2 gene, results from a C to T substitution at nucleotide position 1343. The alanine at codon 448 is replaced by valine, an amino acid with similar properties. This amino acid position is conserved. In addition, this alteration is predicted to be tolerated by in silico analysis. Since supporting evidence is limited at this time, the clinical significance of this alteration remains unclear.

Labcorp Genetics (formerly Invitae), Labcorp
Classification: Uncertain significance for Neurofibromatosis, type 2. Last evaluated: 2021-04-15. Review status: criteria provided, single submitter. Criteria: Invitae Variant Classification Sherloc (09022015). Collection method: clinical testing. Allele origin: germline.
Comment: In summary, the available evidence is currently insufficient to determine the role of this variant in disease. Therefore, it has been classified as a Variant of Uncertain Significance. Algorithms developed to predict the effect of missense changes on protein structure and function (SIFT, PolyPhen-2, Align-GVGD) all suggest that this variant is likely to be tolerated, but these predictions have not been confirmed by published functional studies and their clinical significance is uncertain. This variant has not been reported in the literature in individuals with NF2-related conditions. This variant is not present in population databases (ExAC no frequency). This sequence change replaces alanine with valine at codon 448 of the NF2 protein (p.Ala448Val). The alanine residue is moderately conserved and there is a small physicochemical difference between alanine and valine.

NM_000268.4(NF2):c.1343C>T (p.Ala448Val)

Gene: NF2 (NF2, moesin-ezrin-radixin like (MERLIN) tumor suppressor; plus strand). Cytogenetic location: 22q12.2.
Variant type: single nucleotide variant.
Coding change: c.1343C>T on transcript NM_000268.4 (MANE Select); coding-DNA position 1343, C replaced by T.
Protein change: p.Ala448Val; replaces alanine 448 with valine.
Molecular consequence: missense variant. On other transcripts: non-coding transcript variant (1), intron variant (1).
Genome position (GRCh38, 1-based): chr22:29,674,838, C>T. VCF-style: chr22-29674838-C-T. GRCh37 (hg19) VCF-style: chr22-30070827-C-T.
Other names: c.1343C>T, p.Ala448Val (NM_016418.5, NM_181825.3, NM_181832.3); c.1217C>T, p.Ala406Val (NM_181828.3); c.1220C>T, p.Ala407Val (NM_181829.3); c.1094C>T, p.Ala365Val (NM_181830.3, NM_181831.3); c.448-19914C>T (NM_181833.3); short protein forms A365V, A448V, A406V, A407V.
Identifiers: ClinVar variation 1516937 (VCV001516937.8), dbSNP rs2066911555, ClinGen allele CA411148816.